The following is an entry in ClinVar:

NM_000059.4(BRCA2):c.8750T>C (p.Leu2917Pro)

Gene: BRCA2 (BRCA2 DNA repair associated; plus strand). Cytogenetic location: 13q13.1.
Variant type: single nucleotide variant.
Coding change: c.8750T>C on transcript NM_000059.4 (MANE Select); coding-DNA position 8750, T replaced by C.
Protein change: p.Leu2917Pro; replaces leucine 2917 with proline.
Molecular consequence: missense variant.
Genome position (GRCh38, 1-based): chr13:32,376,787, T>C. VCF-style: chr13-32376787-T-C. GRCh37 (hg19) VCF-style: chr13-32950924-T-C.
Other names: short protein forms L2917P.
Identifiers: ClinVar variation 441328 (VCV000441328.12), dbSNP rs1555288178, ClinGen allele CA387755087.

ClinVar aggregate classification (germline): Conflicting classifications of pathogenicity. Review status: criteria provided, conflicting classifications (1 of 4 stars). 3 submissions from 3 submitters: Uncertain significance (2); Likely benign (1). Last evaluated 2025-09-15.

Conditions:
Hereditary breast ovarian cancer syndrome. Also called: Hereditary breast and ovarian cancer; Breast and ovarian cancer; Hereditary breast and ovarian cancer syndrome; Hereditary breast and/or ovarian cancer syndrome; BRCA1- and BRCA2-Associated Hereditary Breast and Ovarian Cancer; Hereditary breast and ovarian cancer syndrome (HBOC). Identifiers: Orphanet 145, MedGen C0677776, MeSH D061325, MONDO:0003582. Disease mechanism: loss of function.
Hereditary cancer-predisposing syndrome. Also called: Hereditary Cancer Syndrome; Hereditary neoplastic syndrome; Neoplastic Syndromes, Hereditary; Tumor predisposition. Identifiers: Orphanet 140162, MedGen C0027672, MeSH D009386, MONDO:0015356.

Submissions (3):

Labcorp Genetics (formerly Invitae), Labcorp
Classification: Uncertain significance for Hereditary breast ovarian cancer syndrome. Last evaluated: 2025-09-15. Review status: criteria provided, single submitter. Criteria: Invitae Variant Classification Sherloc (09022015). Collection method: clinical testing. Allele origin: germline.
Comment: This sequence change replaces leucine, which is neutral and non-polar, with proline, which is neutral and non-polar, at codon 2917 of the BRCA2 protein (p.Leu2917Pro). This variant is not present in population databases (gnomAD no frequency). This variant has not been reported in the literature in individuals affected with BRCA2-related conditions. ClinVar contains an entry for this variant (Variation ID: 441328). Invitae Evidence Modeling of protein sequence and biophysical properties (such as structural, functional, and spatial information, amino acid conservation, physicochemical variation, residue mobility, and thermodynamic stability) indicates that this missense variant is not expected to disrupt BRCA2 protein function with a negative predictive value of 95%. In summary, the available evidence is currently insufficient to determine the role of this variant in disease. Therefore, it has been classified as a Variant of Uncertain Significance.

Ambry Genetics
Classification: Likely benign for Hereditary cancer-predisposing syndrome. Last evaluated: 2025-05-15. Review status: criteria provided, single submitter. Criteria: Ambry Variant Classification Scheme 2023. Collection method: clinical testing. Allele origin: germline.

Quest Diagnostics Nichols Institute San Juan Capistrano
Classification: Uncertain significance. Last evaluated: 2023-03-15. Review status: criteria provided, single submitter. Criteria: Quest Diagnostics criteria. Collection method: clinical testing. Allele origin: unknown.
Comment: The variant has not been reported in the published literature. It also has not been reported in large, multi-ethnic general populations. Analysis of this variant using bioinformatics tools for the prediction of the effect of amino acid changes on protein structure and function yielded predictions that this variant is damaging. Based on the available information, we are unable to determine the clinical significance of this variant.